The following is an entry in ClinVar:

ClinVar aggregate classification (germline): Uncertain significance (1 of 4 stars; one submission).

Submission:

Labcorp Genetics (formerly Invitae), Labcorp
Classification: Uncertain significance. Last evaluated: 2020-09-24. Review status: criteria provided, single submitter. Criteria: Invitae Variant Classification Sherloc (09022015). Collection method: clinical testing. Allele origin: germline.
Comment: In summary, the available evidence is currently insufficient to determine the role of this variant in disease. Therefore, it has been classified as a Variant of Uncertain Significance. Algorithms developed to predict the effect of missense changes on protein structure and function output the following: SIFT: "Tolerated"; PolyPhen-2: "Benign"; Align-GVGD: "Class C0". The aspartic acid amino acid residue is found in multiple mammalian species, suggesting that this missense change does not adversely affect protein function. These predictions have not been confirmed by published functional studies and their clinical significance is uncertain. This variant has not been reported in the literature in individuals with EYS-related conditions. This variant is not present in population databases (ExAC no frequency). This sequence change replaces alanine with aspartic acid at codon 2340 of the EYS protein (p.Ala2340Asp). The alanine residue is moderately conserved and there is a moderate physicochemical difference between alanine and aspartic acid.

NM_001142800.2(EYS):c.7019C>A (p.Ala2340Asp)

Gene: EYS (EGF-like photoreceptor maintenance factor; minus strand). Cytogenetic location: 6q12.
Variant type: single nucleotide variant.
Coding change: c.7019C>A on transcript NM_001142800.2 (MANE Select); coding-DNA position 7019, C replaced by A.
Protein change: p.Ala2340Asp; replaces alanine 2340 with aspartic acid.
Molecular consequence: missense variant.
Genome position (GRCh38, 1-based): chr6:63,984,419, G>T on the plus strand (C>A on the coding strand, the complement: EYS is on the minus strand). VCF-style: chr6-63984419-G-T. GRCh37 (hg19) VCF-style: chr6-64694312-G-T.
Other names: c.7019C>A, p.Ala2340Asp (NM_001292009.2); short protein forms A2340D.
Identifiers: ClinVar variation 1014304 (VCV001014304.8), dbSNP rs1767255412, ClinGen allele CA364388000.